The following is an entry in ClinVar:

ClinVar aggregate classification (germline): Pathogenic (1 of 4 stars; one submission).

Allele frequency attached by ClinVar (database versions not stated): gnomAD exomes below 0.00001; ExAC 0.00001.

Submission:

Labcorp Genetics (formerly Invitae), Labcorp
Classification: Pathogenic. Last evaluated: 2023-11-27. Review status: criteria provided, single submitter. Criteria: Invitae Variant Classification Sherloc (09022015). Collection method: clinical testing. Allele origin: germline.
Comment: This sequence change creates a premature translational stop signal (p.Cys709*) in the LAMC3 gene. It is expected to result in an absent or disrupted protein product. Loss-of-function variants in LAMC3 are known to be pathogenic (PMID: 21572413, 26802095). This variant is present in population databases (rs746299403, gnomAD 0.003%). This premature translational stop signal has been observed in individual(s) with autism spectrum disorder (PMID: 23160955). ClinVar contains an entry for this variant (Variation ID: 1460008). For these reasons, this variant has been classified as Pathogenic.

Literature cited by the submitters: PubMed 21572413; PubMed 26802095; PubMed 23160955.

NM_006059.4(LAMC3):c.2127T>A (p.Cys709Ter)

Gene: LAMC3 (laminin subunit gamma 3; plus strand). Cytogenetic location: 9q34.12.
Variant type: single nucleotide variant.
Coding change: c.2127T>A on transcript NM_006059.4 (MANE Select); coding-DNA position 2127, T replaced by A.
Protein change: p.Cys709Ter; replaces cysteine 709 with a stop codon.
Molecular consequence: nonsense.
Genome position (GRCh38, 1-based): chr9:131,057,116, T>A. VCF-style: chr9-131057116-T-A. GRCh37 (hg19) VCF-style: chr9-133932503-T-A.
Other names: short protein forms C709*.
Identifiers: ClinVar variation 1460008 (VCV001460008.6), dbSNP rs746299403, ClinGen allele CA5287321.
Genomic context (GRCh38, chr9:131,057,116, plus strand): 5'-GGGATACAAGAGGGAGATGCCACAGGGGGGTCCCTATGCCAGCTGTGTCCCCTGCACCTG[T>A]AACCAGCATGGCACCTGTGACCCCAACACAGGTGAGTCTCCTGGCACCCCATCCGAAGGC-3'